The following is an entry in ClinVar:

NM_001430.5(EPAS1):c.1630C>A (p.Pro544Thr)

Gene: EPAS1 (endothelial PAS domain protein 1; plus strand). Cytogenetic location: 2p21.
Variant type: single nucleotide variant.
Coding change: c.1630C>A on transcript NM_001430.5 (MANE Select); coding-DNA position 1630, C replaced by A.
Protein change: p.Pro544Thr; replaces proline 544 with threonine.
Molecular consequence: missense variant.
Genome position (GRCh38, 1-based): chr2:46,380,302, C>A. VCF-style: chr2-46380302-C-A. GRCh37 (hg19) VCF-style: chr2-46607441-C-A.
Other names: short protein forms P544T.
Identifiers: ClinVar variation 1776819 (VCV001776819.2), dbSNP rs2546476725, ClinGen allele CA346704545.

ClinVar aggregate classification (germline): Uncertain significance (1 of 4 stars; one submission).

Conditions:
Inborn genetic diseases. Identifiers: MedGen C0950123, MeSH D030342.

Submission:

Ambry Genetics
Classification: Uncertain significance for Inborn genetic diseases. Last evaluated: 2022-08-13. Review status: criteria provided, single submitter. Criteria: Ambry Variant Classification Scheme 2023. Collection method: clinical testing. Allele origin: germline.
Comment: The p.P544T variant (also known as c.1630C>A), located in coding exon 12 of the EPAS1 gene, results from a C to A substitution at nucleotide position 1630. The proline at codon 544 is replaced by threonine, an amino acid with highly similar properties. This amino acid position is conserved. In addition, the in silico prediction for this alteration is inconclusive. Since supporting evidence is limited at this time, the clinical significance of this alteration remains unclear.